The following is an entry in ClinVar:

NM_006922.4(SCN3A):c.2728_2730del (p.Glu910del)

Gene: SCN3A (sodium voltage-gated channel alpha subunit 3; minus strand). Cytogenetic location: 2q24.3.
Variant type: Deletion.
Coding change: c.2728_2730del on transcript NM_006922.4 (MANE Select); coding-DNA positions 2728 to 2730, 3 bases deleted (GAA; older notation c.2728_2730delGAA).
Protein change: p.Glu910del; deletes glutamic acid 910.
Molecular consequence: inframe deletion.
Genome position (GRCh38, 1-based): chr2:165,130,132-165,130,134, TTC deleted on the plus strand (GAA on the coding strand, the reverse complement: SCN3A is on the minus strand); deleting any 3 consecutive bases within chr2:165,130,132-165,130,136 gives the same sequence; the c. name uses the placement nearest the transcript's 3' end. VCF-style (leftmost placement, unchanged base first): chr2-165130131-ATTC-A. GRCh37 (hg19) VCF-style: chr2-165986641-ATTC-A.
Other names: c.2581_2583del, p.Glu861del (NM_001081676.2, NM_001081677.2); short protein forms E861del, E910del.
Identifiers: ClinVar variation 1023856 (VCV001023856.8), dbSNP rs1379635947, ClinGen allele CA537507913.

ClinVar aggregate classification (germline): Uncertain significance (1 of 4 stars; one submission).

Submission:

Labcorp Genetics (formerly Invitae), Labcorp
Classification: Uncertain significance. Last evaluated: 2025-12-05. Review status: criteria provided, single submitter. Criteria: Invitae Variant Classification Sherloc (09022015). Collection method: clinical testing. Allele origin: germline.
Comment: This variant, c.2728_2730del, results in the deletion of 1 amino acid(s) of the SCN3A protein (p.Glu910del), but otherwise preserves the integrity of the reading frame. This variant is present in population databases (no rsID available, gnomAD 0.009%). This variant has not been reported in the literature in individuals affected with SCN3A-related conditions. ClinVar contains an entry for this variant (Variation ID: 1023856). Experimental studies and prediction algorithms are not available or were not evaluated, and the functional significance of this variant is currently unknown. In summary, the available evidence is currently insufficient to determine the role of this variant in disease. Therefore, it has been classified as a Variant of Uncertain Significance.